The following is an entry in ClinVar:

ClinVar aggregate classification (germline): Uncertain significance. Review status: criteria provided, multiple submitters, no conflicts (2 of 4 stars). 2 submissions from 2 submitters: Uncertain significance (2). Last evaluated 2025-06-09.

Conditions:
Arrhythmogenic cardiomyopathy with wooly hair and keratoderma. Also called: PALMOPLANTAR KERATODERMA WITH LEFT VENTRICULAR CARDIOMYOPATHY AND WOOLLY HAIR; Carvajal syndrome; Dilated cardiomyopathy with woolly hair and keratoderma; Arrhythmogenic cardiomyopathy with woolly hair and keratoderma. Identifiers: Orphanet 65282, MedGen C1854063, MONDO:0011581, OMIM 605676.
Arrhythmogenic right ventricular dysplasia 8 (ARVD8). Also called: Arrhythmogenic Right Ventricular Dysplasia/Cardiomyopathy 8; ARRHYTHMOGENIC RIGHT VENTRICULAR CARDIOMYOPATHY 8; ARRHYTHMOGENIC RIGHT VENTRICULAR DYSPLASIA, FAMILIAL, 8. Identifiers: MedGen C1843896, MONDO:0011831, OMIM 607450.
Cardiomyopathy (CMYO). Also called: Cardiomyopathies. Identifiers: Orphanet 167848, MedGen C0878544, MONDO:0004994, HP:0001638. Inheritance: Various modes of inheritance.

Submissions (2):

Color Diagnostics, LLC DBA Color Health
Classification: Uncertain significance for Cardiomyopathy. Last evaluated: 2025-06-09. Review status: criteria provided, single submitter. Criteria: ACMG Guidelines, 2015. Collection method: clinical testing. Allele origin: germline.
Comment: This missense variant replaces valine with leucine at codon 2184 of the DSP protein. Computational prediction suggests that this variant may not impact protein structure and function. To our knowledge, functional studies have not been reported for this variant. This variant has not been reported in individuals affected with DSP-related disorders in the literature. This variant has not been identified in the general population by the Genome Aggregation Database (gnomAD). The available evidence is insufficient to determine the role of this variant in disease conclusively. Therefore, this variant is classified as a Variant of Uncertain Significance.

Labcorp Genetics (formerly Invitae), Labcorp
Classification: Uncertain significance for Arrhythmogenic cardiomyopathy with wooly hair and keratoderma; Arrhythmogenic right ventricular dysplasia 8. Last evaluated: 2024-04-09. Review status: criteria provided, single submitter. Criteria: Invitae Variant Classification Sherloc (09022015). Collection method: clinical testing. Allele origin: germline.
Comment: This sequence change replaces valine, which is neutral and non-polar, with leucine, which is neutral and non-polar, at codon 2184 of the DSP protein (p.Val2184Leu). This variant is not present in population databases (gnomAD no frequency). This variant has not been reported in the literature in individuals affected with DSP-related conditions. Algorithms developed to predict the effect of missense changes on protein structure and function output the following: SIFT: "Not Available"; PolyPhen-2: "Benign"; Align-GVGD: "Not Available". The leucine amino acid residue is found in multiple mammalian species, which suggests that this missense change does not adversely affect protein function. In summary, the available evidence is currently insufficient to determine the role of this variant in disease. Therefore, it has been classified as a Variant of Uncertain Significance.

NM_004415.4(DSP):c.6550G>C (p.Val2184Leu)

Gene: DSP (desmoplakin; plus strand). Cytogenetic location: 6p24.3.
Variant type: single nucleotide variant.
Coding change: c.6550G>C on transcript NM_004415.4 (MANE Select); coding-DNA position 6550, G replaced by C.
Protein change: p.Val2184Leu; replaces valine 2184 with leucine.
Molecular consequence: missense variant.
Genome position (GRCh38, 1-based): chr6:7,583,812, G>C. VCF-style: chr6-7583812-G-C. GRCh37 (hg19) VCF-style: chr6-7584045-G-C.
Other names: c.4753G>C, p.Val1585Leu (NM_001008844.3); c.5221G>C, p.Val1741Leu (NM_001319034.2); short protein forms V1585L, V1741L, V2184L.
Identifiers: ClinVar variation 3763384 (VCV003763384.3).